The following is an entry in ClinVar:

NM_000136.3(FANCC):c.576C>G (p.Thr192=)

Genes: AOPEP (aminopeptidase O (putative); plus strand), FANCC (FA complementation group C; minus strand). Cytogenetic location: 9q22.32.
Variant type: single nucleotide variant.
Coding change: c.576C>G on transcript NM_000136.3 (MANE Select); coding-DNA position 576, C replaced by G.
Protein change: p.Thr192=; no amino-acid change (threonine 192 retained).
Molecular consequence: synonymous variant.
Genome position (GRCh38, 1-based): chr9:95,150,033, G>C on the plus strand (C>G on the coding strand, the complement: FANCC is on the minus strand). VCF-style: chr9-95150033-G-C. GRCh37 (hg19) VCF-style: chr9-97912315-G-C.
Other names: c.576C>G, p.Thr192= (NM_001243743.2, NM_001243744.2).
Identifiers: ClinVar variation 1941962 (VCV001941962.4), dbSNP rs759392396, ClinGen allele CA466103257.
Genomic context (GRCh38, chr9:95,150,033, plus strand): 5'-CTGAGGTTCACGTCCATGACAGATGAGGAGAGCCTCCACCAGGGGGTCAACATCTGTCAG[G>C]GTAATAAGTGGGACACAAACTCGTGACAGGGACGCCACTCGCTCGGGAGCCATTCTATGG-3'
Protein context (NP_000127.2, residues 182-202): SLSRVCVPLI[Thr192=]LTDVDPLVEA

ClinVar aggregate classification (germline): Conflicting classifications of pathogenicity. Review status: criteria provided, conflicting classifications (1 of 4 stars). 3 submissions from 3 submitters: Uncertain significance (2); Likely benign (1). Last evaluated 2025-07-22.

Conditions:
Hereditary cancer-predisposing syndrome. Also called: Tumor predisposition; Hereditary neoplastic syndrome; Neoplastic Syndromes, Hereditary; Hereditary Cancer Syndrome. Identifiers: Orphanet 140162, MedGen C0027672, MeSH D009386, MONDO:0015356.
Fanconi anemia (FA). Also called: Fanconi's anemia. Identifiers: Orphanet 84, MedGen C0015625, MeSH D005199, MONDO:0019391.

Submissions (3):

Quest Diagnostics Nichols Institute San Juan Capistrano
Classification: Uncertain significance. Last evaluated: 2025-07-22. Review status: criteria provided, single submitter. Criteria: Quest Diagnostics criteria. Collection method: clinical testing. Allele origin: unknown.
Comment: The FANCC c.576C>G (p.Thr192=) synonymous variant has not been reported in individuals with FANCC-related conditions in the published literature. It also has not been reported in large, multi-ethnic general populations (Genome Aggregation Database). Analysis of this variant using software algorithms for the prediction of the effect of nucleotide changes on splicing yielded predictions that this variant does not affect FANCC mRNA splicing. Based on the available information, we are unable to determine the clinical significance of this variant.

Ambry Genetics
Classification: Likely benign for Hereditary cancer-predisposing syndrome. Last evaluated: 2024-03-10. Review status: criteria provided, single submitter. Criteria: Ambry Variant Classification Scheme 2023. Collection method: clinical testing. Allele origin: germline.

Labcorp Genetics (formerly Invitae), Labcorp
Classification: Uncertain significance for Fanconi anemia. Last evaluated: 2022-03-28. Review status: criteria provided, single submitter. Criteria: Invitae Variant Classification Sherloc (09022015). Collection method: clinical testing. Allele origin: germline.
Comment: This sequence change affects codon 192 of the FANCC mRNA. It is a 'silent' change, meaning that it does not change the encoded amino acid sequence of the FANCC protein. This variant is not present in population databases (gnomAD no frequency). This variant has not been reported in the literature in individuals affected with FANCC-related conditions. Algorithms developed to predict the effect of sequence changes on RNA splicing suggest that this variant may disrupt the consensus splice site. In summary, the available evidence is currently insufficient to determine the role of this variant in disease. Therefore, it has been classified as a Variant of Uncertain Significance.